The following is an entry in ClinVar:

NM_022081.6(HPS4):c.1857G>A (p.Pro619=)

Gene: HPS4 (HPS4 biogenesis of lysosomal organelles complex 3 subunit 2; minus strand). Cytogenetic location: 22q12.1.
Variant type: single nucleotide variant.
Coding change: c.1857G>A on transcript NM_022081.6 (MANE Select); coding-DNA position 1857, G replaced by A.
Protein change: p.Pro619=; no amino-acid change (proline 619 retained).
Molecular consequence: synonymous variant. On other transcripts: intron variant (2), non-coding transcript variant (8).
Genome position (GRCh38, 1-based): chr22:26,457,957, C>T on the plus strand (G>A on the coding strand, the complement: HPS4 is on the minus strand). VCF-style: chr22-26457957-C-T. GRCh37 (hg19) VCF-style: chr22-26853923-C-T.
Other names: c.1714-4553G>A (NM_001349903.2, NM_001349902.1); c.1857G>A, p.Pro619= (NM_001349896.1, NM_001349898.2, NM_001349899.2 and 2 more transcripts); c.1911G>A, p.Pro637= (NM_001349900.2, NM_001349901.1); c.1842G>A, p.Pro614= (NM_152841.2).
Identifiers: ClinVar variation 289851 (VCV000289851.18), dbSNP rs373421312, ClinGen allele CA10163177.

ClinVar aggregate classification (germline): Conflicting classifications of pathogenicity. Review status: criteria provided, conflicting classifications (1 of 4 stars). 4 submissions from 4 submitters: Uncertain significance (2); Likely benign (1). 1 of the submissions does not count toward it. Last evaluated 2025-12-27.

Conditions:
HPS4-related disorder. Also called: HPS4-related condition.
Hermansky-Pudlak syndrome 4 (HPS4). Identifiers: Orphanet 231500, Orphanet 79430, MedGen C3484357, MONDO:0013556, OMIM 614073.

Allele frequency attached by ClinVar (database versions not stated): ExAC 0.00003; gnomAD 0.00004 and 0.00005; gnomAD exomes 0.00004 and 0.00015; TOPMed 0.00005; ESP Exome Variant Server 0.00008.
gnomAD v4.1: 221 of 1,613,156 alleles (0.014%); highest among the groups gnomAD compares: Non-Finnish European, 0.018%; no homozygotes.

Submissions (4):

Labcorp Genetics (formerly Invitae), Labcorp
Classification: Likely benign. Last evaluated: 2025-12-27. Review status: criteria provided, single submitter. Criteria: Invitae Variant Classification Sherloc (09022015). Collection method: clinical testing. Allele origin: germline.

Illumina Laboratory Services, Illumina
Classification: Uncertain significance for Hermansky-Pudlak syndrome 4. Last evaluated: 2018-01-12. Review status: criteria provided, single submitter. Criteria: ICSL Variant Classification Criteria 13 December 2019. Collection method: clinical testing. Allele origin: germline.

Eurofins Ntd Llc (ga)
Classification: Uncertain significance. Last evaluated: 2016-08-02. Review status: criteria provided, single submitter. Criteria: EGL Classification Definitions 2015. Collection method: clinical testing. Allele origin: germline. Observed: 1 variant allele, 1 heterozygote.

PreventionGenetics, part of Exact Sciences
Classification: Likely benign for HPS4-related condition. Last evaluated: 2019-02-22. Review status: no assertion criteria provided. Collection method: clinical testing. Allele origin: germline. Not counted in ClinVar's aggregate classification.
Comment: This variant is classified as likely benign based on ACMG/AMP sequence variant interpretation guidelines (Richards et al. 2015 PMID: 25741868, with internal and published modifications).